The following is an entry in ClinVar:

ClinVar aggregate classification (germline): Conflicting classifications of pathogenicity. Review status: criteria provided, conflicting classifications (1 of 4 stars). 11 submissions from 11 submitters: Uncertain significance (8); Likely benign (1). 2 of the submissions do not count toward it. Last evaluated 2025-11-28.

Conditions:
Classic or attenuated familial adenomatous polyposis. Identifiers: MedGen CN372698, MONDO:0021057.
APC-related disorder. Also called: APC-related condition.
Hereditary cancer-predisposing syndrome. Also called: Hereditary neoplastic syndrome; Tumor predisposition; Hereditary Cancer Syndrome; Neoplastic Syndromes, Hereditary. Identifiers: Orphanet 140162, MedGen C0027672, MeSH D009386, MONDO:0015356.
Familial adenomatous polyposis 1 (FAP1). Also called: FAMILIAL ADENOMATOUS POLYPOSIS 1, ATTENUATED; POLYPOSIS, ADENOMATOUS INTESTINAL. Identifiers: MedGen C2713442, MONDO:0021056, OMIM 175100. Disease mechanism: loss of function.

Allele frequency attached by ClinVar (database versions not stated): TOPMed below 0.00001; gnomAD 0.00001; gnomAD exomes 0.00001; ExAC 0.00002; 1000 Genomes Project 30x 0.00016; 1000 Genomes Project 0.00020.
gnomAD v4.1: 21 of 1,612,482 alleles (0.0013%); highest among the groups gnomAD compares: Non-Finnish European, 0.0015%; no homozygotes.

Submissions (11):

Labcorp Genetics (formerly Invitae), Labcorp
Classification: Uncertain significance for Familial adenomatous polyposis 1. Last evaluated: 2025-11-28. Review status: criteria provided, single submitter. Criteria: Invitae Variant Classification Sherloc (09022015). Collection method: clinical testing. Allele origin: germline.
Comment: This sequence change replaces arginine, which is basic and polar, with glutamine, which is neutral and polar, at codon 232 of the APC protein (p.Arg232Gln). This variant is present in population databases (rs201727026, gnomAD 0.009%). This variant has not been reported in the literature in individuals affected with APC-related conditions. ClinVar contains an entry for this variant (Variation ID: 41535). Invitae Evidence Modeling of protein sequence and biophysical properties (such as structural, functional, and spatial information, amino acid conservation, physicochemical variation, residue mobility, and thermodynamic stability) indicates that this missense variant is not expected to disrupt APC protein function with a negative predictive value of 95%. In summary, the available evidence is currently insufficient to determine the role of this variant in disease. Therefore, it has been classified as a Variant of Uncertain Significance.

PreventionGenetics, part of Exact Sciences
Classification: Uncertain significance for APC-related condition. Last evaluated: 2025-11-10. Review status: criteria provided, single submitter. Criteria: ACMG Guidelines, 2015. Collection method: clinical testing. Allele origin: germline.
Comment: The APC c.695G>A variant is predicted to result in the amino acid substitution p.Arg232Gln. This variant was reported in an individual with personal history of melanoma, uterine and lobular breast cancer (Bhai et al. 2021. PubMed ID: 34326862). This variant is reported in 0.00088% of alleles in individuals of European (Non-Finnish) descent in gnomAD and has conflicting interpretations in ClinVar, ranging from likely benign to uncertain (Variation ID: 41535). At this time, the clinical significance of this variant is uncertain due to the absence of conclusive functional and genetic evidence.

Ambry Genetics
Classification: Likely benign for Hereditary cancer-predisposing syndrome. Last evaluated: 2024-10-11. Review status: criteria provided, single submitter. Criteria: Ambry Variant Classification Scheme 2023. Collection method: clinical testing. Allele origin: germline.

All of Us Research Program, National Institutes of Health
Classification: Uncertain significance for Classic or attenuated familial adenomatous polyposis. Last evaluated: 2024-03-25. Review status: criteria provided, single submitter. Criteria: ACMG Guidelines, 2015. Collection method: clinical testing. Allele origin: germline. Inheritance: Autosomal dominant inheritance. Observed: 7 variant alleles, 7 heterozygotes.
Comment: This missense variant replaces arginine with glutamine at codon 232 of the APC protein. Computational prediction suggests that this variant may not impact protein structure and function (internally defined REVEL score threshold <= 0.5, PMID: 27666373). To our knowledge, functional studies have not been reported for this variant. This variant has not been reported in individuals affected with APC-related disorders in the literature, but has been observed in individuals ascertained for non-cancer phenotypes (PMID: 22703879). This variant has been identified in 2/251206 chromosomes in the general population by the Genome Aggregation Database (gnomAD). The available evidence is insufficient to determine the role of this variant in disease conclusively. Therefore, this variant is classified as a Variant of Uncertain Significance.

This study involves interpretation of variants in research participants for the purpose of population health screening. Participant phenotype was not available at the time of variant classification. Additional details can be found in publication PMID: 35346344, PMCID: PMC8962531

Baylor Genetics
Classification: Uncertain significance for Familial adenomatous polyposis 1. Last evaluated: 2024-02-22. Review status: criteria provided, single submitter. Criteria: ACMG Guidelines, 2015. Collection method: clinical testing. Allele origin: unknown.

Color Diagnostics, LLC DBA Color Health
Classification: Uncertain significance for Hereditary cancer-predisposing syndrome. Last evaluated: 2024-02-14. Review status: criteria provided, single submitter. Criteria: ACMG Guidelines, 2015. Collection method: clinical testing. Allele origin: germline.
Comment: This missense variant replaces arginine with glutamine at codon 232 of the APC protein. Computational prediction suggests that this variant may not impact protein structure and function (internally defined REVEL score threshold <= 0.5, PMID: 27666373). To our knowledge, functional studies have not been reported for this variant. This variant has not been reported in individuals affected with APC-related disorders in the literature. This variant has been identified in 2/251206 chromosomes in the general population by the Genome Aggregation Database (gnomAD). The available evidence is insufficient to determine the role of this variant in disease conclusively. Therefore, this variant is classified as a Variant of Uncertain Significance.

Myriad Genetics, Inc.
Classification: Uncertain significance for Familial adenomatous polyposis 1. Last evaluated: 2023-02-22. Review status: criteria provided, single submitter. Criteria: Myriad Autosomal Dominant, Autosomal Recessive and X-Linked Classification Criteria (2023). Collection method: clinical testing. Allele origin: unknown.
Comment: This variant is classified as a variant of uncertain significance as there is insufficient evidence to determine its impact on protein function and/or cancer risk.

Quest Diagnostics Nichols Institute San Juan Capistrano
Classification: Uncertain significance. Last evaluated: 2022-10-20. Review status: criteria provided, single submitter. Criteria: Quest Diagnostics criteria. Collection method: clinical testing. Allele origin: unknown.
Comment: The frequency of this variant in the general population, 0.000008 (2/251206 chromosomes), is uninformative in assessment of its pathogenicity. In the published literature, the variant has been reported in individuals with hereditary breast and/or ovarian cancer (PMID: 3272037 (2021)) and cancer susceptibility (PMID: 22703879 (2012)). Analysis of this variant using bioinformatics tools for the prediction of the effect of amino acid changes on protein structure and function yielded conflicting predictions that this variant is deleterious or benign. Based on the available information, we are unable to determine the clinical significance of this variant.

GeneDx
Classification: Uncertain significance. Last evaluated: 2016-09-13. Review status: criteria provided, single submitter. Criteria: GeneDx Variant Classification (06012015). Collection method: clinical testing. Allele origin: germline. Affected: yes.
Comment: This variant is denoted APC c.695G>A at the cDNA level, p.Arg232Gln (R232Q) at the protein level, and results in the change of an Arginine to a Glutamine (CGA>CAA). This variant was observed in 1/570 individuals with atherosclerosis, with no specific information about cancer history (Johnston 2012). APC Arg232Gln was not observed at a significant allele frequency in 1000 Genomes. Since Arginine and Glutamine differ in some properties, this is considered a semi-conservative amino acid substitution. APC Arg232Gln occurs at a position that is conserved across species and is located in the coiled coil region (Uniprot). In silico analyses are inconsistent regarding the effect this variant may have on protein structure and function. Based on currently available evidence, it is unclear whether APC Arg232Gln is a pathogenic or benign variant. We consider it to be a variant of uncertain significance.

Counsyl
Classification: Uncertain significance for Familial adenomatous polyposis 1. Last evaluated: 2017-08-22. Review status: no assertion criteria provided. Collection method: clinical testing. Allele origin: unknown. Not counted in ClinVar's aggregate classification.

Biesecker Lab/Clinical Genomics Section, National Institutes of Health
Classification: Uncertain significance. Last evaluated: 2012-07-13. Review status: no assertion criteria provided. Collection method: research. Allele origin: germline. Affected: no. Observed: 1 variant allele. Study: ClinSeq. Not counted in ClinVar's aggregate classification.
ClinVar note: Converted during submission from variant of unknown significance to Uncertain significance.

Literature cited by the submitters: PubMed 32720237 (cited by Quest Diagnostics Nichols Institute San Juan Capistrano).

NM_000038.6(APC):c.695G>A (p.Arg232Gln)

Gene: APC (APC regulator of Wnt signaling pathway; plus strand). Cytogenetic location: 5q22.2.
Variant type: single nucleotide variant.
Coding change: c.695G>A on transcript NM_000038.6 (MANE Select); coding-DNA position 695, G replaced by A.
Protein change: p.Arg232Gln; replaces arginine 232 with glutamine.
Molecular consequence: missense variant. On other transcripts: 5 prime UTR variant (1), intron variant (2).
Genome position (GRCh38, 1-based): chr5:112,792,495, G>A. VCF-style: chr5-112792495-G-A. GRCh37 (hg19) VCF-style: chr5-112128192-G-A.
Other names: c.695G>A, p.Arg232Gln (NM_001127510.3, NM_001354895.2, NM_001354896.2 and 1 more transcripts); c.725G>A, p.Arg242Gln (NM_001354897.2, NM_001354902.2); c.620G>A, p.Arg207Gln (NM_001354898.2, NM_001354904.2); c.518G>A, p.Arg173Gln (NM_001354900.2, NM_001354901.2, NM_001354905.2); c.-341G>A (NM_001354906.2); c.676-8784G>A (NM_001127511.3); c.646-8784G>A (NM_001354899.2); short protein forms R232Q, R207Q, R242Q, R173Q.
Identifiers: ClinVar variation 41535 (VCV000041535.32), dbSNP rs201727026, ClinGen allele CA012709.